The following is an entry in ClinVar:

ClinVar aggregate classification (germline): Uncertain significance. Review status: criteria provided, multiple submitters, no conflicts (2 of 4 stars). 2 submissions from 2 submitters: Uncertain significance (2). Last evaluated 2025-06-09.

Allele frequency attached by ClinVar (database versions not stated): gnomAD exomes below 0.00001.
gnomAD v4.1: 2 of 1,613,908 alleles (0.00012%); highest among the groups gnomAD compares: Non-Finnish European, 0.00017%; no homozygotes.

Submissions (2):

Labcorp Genetics (formerly Invitae), Labcorp
Classification: Uncertain significance. Last evaluated: 2025-06-09. Review status: criteria provided, single submitter. Criteria: Invitae Variant Classification Sherloc (09022015). Collection method: clinical testing. Allele origin: germline.
Comment: This sequence change replaces isoleucine, which is neutral and non-polar, with phenylalanine, which is neutral and non-polar, at codon 254 of the SLC1A2 protein (p.Ile254Phe). This variant is not present in population databases (gnomAD no frequency). This variant has not been reported in the literature in individuals affected with SLC1A2-related conditions. ClinVar contains an entry for this variant (Variation ID: 2505831). Invitae Evidence Modeling of protein sequence and biophysical properties (such as structural, functional, and spatial information, amino acid conservation, physicochemical variation, residue mobility, and thermodynamic stability) indicates that this missense variant is not expected to disrupt SLC1A2 protein function with a negative predictive value of 80%. In summary, the available evidence is currently insufficient to determine the role of this variant in disease. Therefore, it has been classified as a Variant of Uncertain Significance.

GeneDx
Classification: Uncertain significance. Last evaluated: 2022-12-15. Review status: criteria provided, single submitter. Criteria: GeneDx Variant Classification Process June 2021. Collection method: clinical testing. Allele origin: germline. Affected: yes.
Comment: Not observed at significant frequency in large population cohorts (gnomAD); In silico analysis supports that this missense variant does not alter protein structure/function; Has not been previously published as pathogenic or benign to our knowledge

NM_004171.4(SLC1A2):c.760A>T (p.Ile254Phe)

Gene: SLC1A2 (solute carrier family 1 member 2; minus strand). Cytogenetic location: 11p13.
Variant type: single nucleotide variant.
Coding change: c.760A>T on transcript NM_004171.4 (MANE Select); coding-DNA position 760, A replaced by T.
Protein change: p.Ile254Phe; replaces isoleucine 254 with phenylalanine.
Molecular consequence: missense variant.
Genome position (GRCh38, 1-based): chr11:35,301,616, T>A on the plus strand (A>T on the coding strand, the complement: SLC1A2 is on the minus strand). VCF-style: chr11-35301616-T-A. GRCh37 (hg19) VCF-style: chr11-35323163-T-A.
Other names: c.733A>T, p.Ile245Phe (NM_001195728.3, NM_001252652.2); short protein forms I245F, I254F.
Identifiers: ClinVar variation 2505831 (VCV002505831.2), dbSNP rs2497830381, ClinGen allele CA380126388.
Genomic context (GRCh38, chr11:35,301,616, plus strand): 5'-TCAAAATGTTGAAGAAATCCACCATCAGCTTGGCCTGATCTCCCATCTTCCCCATAGCGA[T>A]GCCAAAAGCAATGAAAAACCCTATCAGACCTGTTGGATGAATCACATTACATAGAAGGAC-3'
Protein context (NP_004162.2, residues 244-264): GLIGFFIAFG[Ile254Phe]AMGKMGDQAK